The following is an entry in ClinVar:

ClinVar aggregate classification (germline): Uncertain significance. Review status: criteria provided, multiple submitters, no conflicts (2 of 4 stars). 2 submissions from 2 submitters: Uncertain significance (2). Last evaluated 2026-02-26.

Submissions (2):

GeneDx
Classification: Uncertain significance. Last evaluated: 2026-02-26. Review status: criteria provided, single submitter. Criteria: GeneDx Variant Classification Process June 2021. Collection method: clinical testing. Allele origin: germline.
Comment: Not observed at significant frequency in large population cohorts (gnomAD); In silico analysis supports that this missense variant has a deleterious effect on protein structure/function; Has not been previously published as pathogenic or benign to our knowledge

Ambry Genetics
Classification: Uncertain significance. Last evaluated: 2025-11-24. Review status: criteria provided, single submitter. Criteria: Ambry Variant Classification Scheme 2023. Collection method: clinical testing. Allele origin: germline.

NM_002577.4(PAK2):c.1439G>A (p.Cys480Tyr)

Gene: PAK2 (p21 (RAC1) activated kinase 2; plus strand). Cytogenetic location: 3q29.
Variant type: single nucleotide variant.
Coding change: c.1439G>A on transcript NM_002577.4 (MANE Select); coding-DNA position 1439, G replaced by A.
Protein change: p.Cys480Tyr; replaces cysteine 480 with tyrosine.
Molecular consequence: missense variant.
Genome position (GRCh38, 1-based): chr3:196,827,284, G>A. VCF-style: chr3-196827284-G-A. GRCh37 (hg19) VCF-style: chr3-196554155-G-A.
Other names: short protein forms C480Y.
Identifiers: ClinVar variation 4564072 (VCV004564072.2).
Genomic context (GRCh38, chr3:196,827,284, plus strand): 5'-CCCCAGAACTTCAGAATCCAGAGAAACTTTCCCCAATATTTCGGGATTTCTTAAATCGAT[G>A]TTTGGAAATGGATGTGGAAAAAAGGGGTTCAGCCAAAGAATTATTACAGGTAAATTTAAA-3'
Protein context (NP_002568.2, residues 470-490): SPIFRDFLNR[Cys480Tyr]LEMDVEKRGS